The following is an entry in ClinVar:

NM_005045.4(RELN):c.2562G>A (p.Trp854Ter)

Gene: RELN (reelin; minus strand). Cytogenetic location: 7q22.1.
Variant type: single nucleotide variant.
Coding change: c.2562G>A on transcript NM_005045.4 (MANE Select); coding-DNA position 2562, G replaced by A.
Protein change: p.Trp854Ter; replaces tryptophan 854 with a stop codon.
Molecular consequence: nonsense.
Genome position (GRCh38, 1-based): chr7:103,630,080, C>T on the plus strand (G>A on the coding strand, the complement: RELN is on the minus strand). VCF-style: chr7-103630080-C-T. GRCh37 (hg19) VCF-style: chr7-103270527-C-T.
Other names: c.2562G>A, p.Trp854Ter (NM_173054.3); short protein forms W854*.
Identifiers: ClinVar variation 4785043 (VCV004785043.1).

ClinVar aggregate classification (germline): Pathogenic (1 of 4 stars; one submission).

Conditions:
Norman-Roberts syndrome (LIS2). Also called: Lissencephaly 2 (Norman-Roberts type). Identifiers: Orphanet 89844, MedGen C0796089, MONDO:0009760, OMIM 257320.
Familial temporal lobe epilepsy 7. Identifiers: Orphanet 101046, MedGen C4225327, MONDO:0014639, OMIM 616436.

Submission:

Labcorp Genetics (formerly Invitae), Labcorp
Classification: Pathogenic for Familial temporal lobe epilepsy 7; Norman-Roberts syndrome. Last evaluated: 2025-05-17. Review status: criteria provided, single submitter. Criteria: Invitae Variant Classification Sherloc (09022015). Collection method: clinical testing. Allele origin: germline.
Comment: This sequence change creates a premature translational stop signal (p.Trp854*) in the RELN gene. It is expected to result in an absent or disrupted protein product. Loss-of-function variants in RELN are known to be pathogenic (PMID: 10973257, 26046367, 28454995). This variant is not present in population databases (gnomAD no frequency). This variant has not been reported in the literature in individuals affected with RELN-related conditions. For these reasons, this variant has been classified as Pathogenic.

Literature cited by the submitters: PubMed 10973257; PubMed 26046367; PubMed 28454995.